The following is an entry in ClinVar:

NM_020376.4(PNPLA2):c.1053-29C>T

Gene: PNPLA2 (patatin like domain 2, triacylglycerol lipase; plus strand). Cytogenetic location: 11p15.5.
Variant type: single nucleotide variant.
Coding change: c.1053-29C>T on transcript NM_020376.4 (MANE Select); 29 bases into the intron before coding-DNA position 1053, C replaced by T.
Molecular consequence: intron variant.
Genome position (GRCh38, 1-based): chr11:824,285, C>T. VCF-style: chr11-824285-C-T. GRCh37 (hg19) VCF-style: chr11-824285-C-T.
Other names: p.?.
Identifiers: ClinVar variation 4683574 (VCV004683574.1).
Genomic context (GRCh38, chr11:824,285, plus strand): 5'-CAGTGCCAAGTCAGGGCACAGACAGGGCCCGGCGGGTGGGCATGTGGGTCTGGCCAAGTC[C>T]CTGAACGCGCCGCTCGCCCTGTCCCCAGCTTGCTGGAGTGGCTGCCCGACGTTCCCGAGG-3'

ClinVar aggregate classification (germline): Likely benign (1 of 4 stars; one submission).

gnomAD v4.1: 7 of 1,549,580 alleles (0.00045%); highest among the groups gnomAD compares: East Asian, 0.0073%; no homozygotes.

Submission:

Mayo Clinic Laboratories, Mayo Clinic
Classification: Likely benign. Last evaluated: 2025-01-27. Review status: criteria provided, single submitter. Criteria: ACMG Guidelines, 2015. Collection method: clinical testing. Allele origin: germline. Observed: 1 variant allele.
Comment: BP4, BP7, PM2_supporting